The following is an entry in ClinVar:

NM_000303.3(PMM2):c.98A>C (p.Gln33Pro)

Gene: PMM2 (phosphomannomutase 2; plus strand). Cytogenetic location: 16p13.2.
Variant type: single nucleotide variant.
Coding change: c.98A>C on transcript NM_000303.3 (MANE Select); coding-DNA position 98, A replaced by C.
Protein change: p.Gln33Pro; replaces glutamine 33 with proline.
Molecular consequence: missense variant.
Genome position (GRCh38, 1-based): chr16:8,801,830, A>C. VCF-style: chr16-8801830-A-C. GRCh37 (hg19) VCF-style: chr16-8895687-A-C.
Other names: short protein forms Q33P.
Identifiers: ClinVar variation 2506176 (VCV002506176.2), dbSNP rs773229229, ClinGen allele CA277486879.

ClinVar aggregate classification (germline): Conflicting classifications of pathogenicity. Review status: criteria provided, conflicting classifications (1 of 4 stars). 2 submissions from 2 submitters: Likely pathogenic (1); Uncertain significance (1). Last evaluated 2025-06-12.

Conditions:
PMM2-congenital disorder of glycosylation. Also called: PMM2-CDG; CDG Ia; JAEKEN SYNDROME; PHOSPHOMANNOMUTASE 2 DEFICIENCY; CARBOHYDRATE-DEFICIENT GLYCOPROTEIN SYNDROME, TYPE Ia; Congenital disorder of glycosylation, type Ia. Identifiers: Orphanet 79318, MedGen C0349653, MONDO:0008907, OMIM 212065.

Submissions (2):

Natera, Inc.
Classification: Likely pathogenic for Congenital disorder of glycosylation type 1a. Last evaluated: 2025-06-12. Review status: criteria provided, single submitter. Criteria: Natera Variant Classification Schema (03/2026). Collection method: clinical testing. Allele origin: germline.
Comment: The c.98A>C variant in PMM2 is a missense variant predicted to cause substitution of glutamine to proline at amino acid 33. This variant is rare in the general population with a frequency below the threshold expected for the associated phenotype(s). This variant has been observed in one or more individuals affected with the associated recessive disease, as either homozygous or compound heterozygous with a second variant (PMID: 39105373, 38587076, 36719165, 33743737, 32635232). Computational prediction algorithms indicate this variant is likely to affect gene or protein function. Given the available evidence, this variant is classified as Likely Pathogenic.

Women's Health and Genetics/Laboratory Corporation of America, LabCorp
Classification: Uncertain significance. Last evaluated: 2023-05-05. Review status: criteria provided, single submitter. Criteria: LabCorp Variant Classification Summary - May 2015. Collection method: clinical testing. Allele origin: germline.
Comment: Variant summary: PMM2 c.98A>C (p.Gln33Pro) results in a non-conservative amino acid change in the encoded protein sequence. Four of five in-silico tools predict a damaging effect of the variant on protein function. The variant was absent in 248656 control chromosomes (gnomAD). The available data on variant occurrences in the general population are insufficient to allow any conclusion about variant significance. c.98A>C has been reported in the literature in at least two individuals affected with Congenital Disorder Of Glycosylation Type 1a (e.g. Francisco_2020, Vaes_2021, Starosta_2021, Witters_2021, Ligezka_2021). These reports do not provide unequivocal conclusions about association of the variant with Congenital Disorder Of Glycosylation Type 1a. To our knowledge, no experimental evidence demonstrating an impact on protein function has been reported. The following publications have been ascertained in the context of this evaluation (PMID: 32635232, 34652821, 33413482, 34828263, 33743737). No clinical diagnostic laboratories have submitted clinical-significance assessments for this variant to ClinVar after 2014. Based on the evidence outlined above, the variant was classified as uncertain significance.

Literature cited by the submitters: PubMed 39105373 (cited by Natera, Inc.); PubMed 38587076 (cited by Natera, Inc.); PubMed 36719165 (cited by Natera, Inc.); PubMed 33743737 (cited by Natera, Inc. and Women's Health and Genetics/Laboratory Corporation of America, LabCorp); PubMed 32635232 (cited by Natera, Inc. and Women's Health and Genetics/Laboratory Corporation of America, LabCorp); PubMed 33413482 (cited by Women's Health and Genetics/Laboratory Corporation of America, LabCorp); PubMed 34652821 (cited by Women's Health and Genetics/Laboratory Corporation of America, LabCorp); PubMed 34828263 (cited by Women's Health and Genetics/Laboratory Corporation of America, LabCorp).